The following is an entry in ClinVar:

NM_000545.8(HNF1A):c.1824C>G (p.Ser608Arg)

Genes: C12orf43 (chromosome 12 open reading frame 43; minus strand), HNF1A (HNF1 homeobox A; plus strand). Cytogenetic location: 12q24.31.
Variant type: single nucleotide variant.
Coding change: c.1824C>G on transcript NM_000545.8 (MANE Select); coding-DNA position 1824, C replaced by G.
Protein change: p.Ser608Arg; replaces serine 608 with arginine.
Molecular consequence: missense variant. On other transcripts: 3 prime UTR variant (3).
Genome position (GRCh38, 1-based): chr12:121,001,120, C>G. VCF-style: chr12-121001120-C-G. GRCh37 (hg19) VCF-style: chr12-121438923-C-G.
Other names: NM_022895.3:c.*3033G>C; NM_000545.8(HNF1A):c.1824C>G; p.Ser608Arg; c.*3033G>C (NM_001286191.2, NM_001286196.2, NM_022895.3); c.1845C>G, p.Ser615Arg (NM_001306179.2); c.1632C>G, p.Ser544Arg (NM_001406915.1); short protein forms S608R, S615R, S544R.
Identifiers: ClinVar variation 1687068 (VCV001687068.5), dbSNP rs1877445147, ClinGen allele CA386941079.
Genomic context (GRCh38, chr12:121,001,120, plus strand): 5'-TGCAGTGTCCTCCAGCAGCCTGGTGCTGTACCAGAGCTCAGACTCCAGCAATGGCCAGAG[C>G]CACCTGCTGCCATCCAACCACAGCGTCATCGAGACCTTCATCTCCACCCAGATGGCCTCT-3'
Protein context (NP_000536.6, residues 598-618): YQSSDSSNGQ[Ser608Arg]HLLPSNHSVI

ClinVar aggregate classification (germline): Uncertain significance. Review status: reviewed by expert panel (3 of 4 stars). 2 submissions from 2 submitters: Uncertain significance (1). 1 of the submissions does not count toward it. Last evaluated 2025-09-26.

Conditions:
Monogenic diabetes. Identifiers: Orphanet 183625, MedGen C3888631, MONDO:0015967.
Diabetes mellitus type 1 (T1D). Also called: Diabetes Mellitus, Juvenile-Onset; Type I diabetes mellitus. Identifiers: MedGen C0011854, MONDO:0005147, OMIM 222100, HP:0100651.
Hepatic adenomas, familial. Also called: LIVER CELL ADENOMAS, FAMILIAL; HEPATIC ADENOMA, SOMATIC. Identifiers: MedGen C1840646, MONDO:0007718, OMIM 142330.
Type 1 diabetes mellitus 20 (T1D20). Also called: Diabetes mellitus, insulin-dependent, 20. Identifiers: MedGen C2675866, MONDO:0012919, OMIM 612520.
Nonpapillary renal cell carcinoma. Identifiers: Orphanet 422526, MedGen CN074294, MONDO:0007763, OMIM 144700.
Maturity-onset diabetes of the young type 3. Also called: MODY type 3; MODY, type III. Identifiers: Orphanet 552, MedGen C1838100, MeSH C563933, MONDO:0010894, OMIM 600496. Disease mechanism: loss of function.
Type 2 diabetes mellitus. Also called: Type II diabetes mellitus. Identifiers: MedGen C0011860, MeSH D003924, MONDO:0005148, OMIM 125853, HP:0005978.

Allele frequency attached by ClinVar (database versions not stated): gnomAD exomes below 0.00001; gnomAD 0.00001.
gnomAD v4.1: 2 of 1,613,870 alleles (0.00012%); highest among the groups gnomAD compares: African/African-American, 0.0027%; no homozygotes.

Submissions (2):

ClinGen Monogenic Diabetes Variant Curation Expert Panel
Classification: Uncertain significance for Monogenic diabetes. Last evaluated: 2025-09-26. Review status: reviewed by expert panel. Criteria: ClinGen Diabetes ACMG Specifications HNF1A V3.0.0. Collection method: curation. Allele origin: germline. Inheritance: Autosomal dominant inheritance.
Comment: The c.1824C>G variant in the HNF1 homeobox A gene, HNF1A, causes an amino acid change of serine to arginine at codon 608 (p.(Ser608Arg)) of NM_000545.8. While c.1824C>G is absent in the European non-Finnish population in gnomAD v4.1.0, it has 2 copies in the African/African-American subpopulation; therefore, this variant does not meet the ClinGen MDEP-established cutoff for PM2_Supporting. This variant has a REVEL score of 0.666, which is between the ClinGen MDEP thresholds for BP4 and PP3, predicting neither a damaging nor benign impact on HNF1A function. In summary, c.1824C>G meets the criteria to be classified as a variant of uncertain significance for monogenic diabetes. ACMG/AMP criteria applied, as specified by the ClinGen MDEP (specification version 3.0.0, approved 6/30/2025): none.

Fulgent Genetics
Classification: Uncertain significance for Type 2 diabetes mellitus; Hepatic adenomas, familial; Nonpapillary renal cell carcinoma; Diabetes mellitus type 1; Maturity-onset diabetes of the young type 3; Type 1 diabetes mellitus 20. Last evaluated: 2024-01-31. Review status: criteria provided, single submitter. Criteria: ACMG Guidelines, 2015. Collection method: clinical testing. Allele origin: germline. Not counted in ClinVar's aggregate classification.